The following is an entry in ClinVar:

ClinVar aggregate classification (germline): Uncertain significance. Review status: criteria provided, multiple submitters, no conflicts (2 of 4 stars). 3 submissions from 3 submitters: Uncertain significance (3). Last evaluated 2025-10-29.

Conditions:
Familial adenomatous polyposis 1 (FAP1). Also called: FAMILIAL ADENOMATOUS POLYPOSIS 1, ATTENUATED; POLYPOSIS, ADENOMATOUS INTESTINAL. Identifiers: MedGen C2713442, MONDO:0021056, OMIM 175100. Disease mechanism: loss of function.
Hereditary cancer-predisposing syndrome. Also called: Neoplastic Syndromes, Hereditary; Tumor predisposition; Hereditary Cancer Syndrome; Hereditary neoplastic syndrome. Identifiers: Orphanet 140162, MedGen C0027672, MeSH D009386, MONDO:0015356.

Allele frequency attached by ClinVar (database versions not stated): gnomAD exomes below 0.00001.
gnomAD v4.1: 2 of 1,614,066 alleles (0.00012%); highest among the groups gnomAD compares: East Asian, 0.0022%; no homozygotes.

Submissions (3):

Ambry Genetics
Classification: Uncertain significance for Hereditary cancer-predisposing syndrome. Last evaluated: 2025-10-29. Review status: criteria provided, single submitter. Criteria: Ambry Variant Classification Scheme 2023. Collection method: clinical testing. Allele origin: germline.
Comment: The p.Q2628R variant (also known as c.7883A>G), located in coding exon 15 of the APC gene, results from an A to G substitution at nucleotide position 7883. The glutamine at codon 2628 is replaced by arginine, an amino acid with highly similar properties. This amino acid position is not well conserved in available vertebrate species. In addition, in silico predictors for this gene do not accurately predict pathogenicity. Missense variants in APC are not a common cause of disease (Spier I et al. Genet Med. 2024 Feb;26(2):100992). Based on the available evidence, the clinical significance of this variant remains unclear.

Color Diagnostics, LLC DBA Color Health
Classification: Uncertain significance for Hereditary cancer-predisposing syndrome. Last evaluated: 2024-12-10. Review status: criteria provided, single submitter. Criteria: ACMG Guidelines, 2015. Collection method: clinical testing. Allele origin: germline.
Comment: This missense variant replaces glutamine with arginine at codon 2628 of the APC protein. Computational prediction suggests that this variant may not impact protein structure and function (internally defined REVEL score threshold <= 0.5, PMID: 27666373). To our knowledge, functional studies have not been reported for this variant. This variant has not been reported in individuals affected with APC-related disorders in the literature. This variant has been identified in 1/250296 chromosomes in the general population by the Genome Aggregation Database (gnomAD). The available evidence is insufficient to determine the role of this variant in disease conclusively. Therefore, this variant is classified as a Variant of Uncertain Significance.

Labcorp Genetics (formerly Invitae), Labcorp
Classification: Uncertain significance for Familial adenomatous polyposis 1. Last evaluated: 2024-02-14. Review status: criteria provided, single submitter. Criteria: Invitae Variant Classification Sherloc (09022015). Collection method: clinical testing. Allele origin: germline.
Comment: This sequence change replaces glutamine, which is neutral and polar, with arginine, which is basic and polar, at codon 2628 of the APC protein (p.Gln2628Arg). This variant is present in population databases (no rsID available, gnomAD 0.006%). This variant has not been reported in the literature in individuals affected with APC-related conditions. ClinVar contains an entry for this variant (Variation ID: 231707). Advanced modeling of protein sequence and biophysical properties (such as structural, functional, and spatial information, amino acid conservation, physicochemical variation, residue mobility, and thermodynamic stability) performed at Invitae indicates that this missense variant is not expected to disrupt APC protein function with a negative predictive value of 95%. In summary, the available evidence is currently insufficient to determine the role of this variant in disease. Therefore, it has been classified as a Variant of Uncertain Significance.

NM_000038.6(APC):c.7883A>G (p.Gln2628Arg)

Gene: APC (APC regulator of Wnt signaling pathway; plus strand). Cytogenetic location: 5q22.2.
Variant type: single nucleotide variant.
Coding change: c.7883A>G on transcript NM_000038.6 (MANE Select); coding-DNA position 7883, A replaced by G.
Protein change: p.Gln2628Arg; replaces glutamine 2628 with arginine.
Molecular consequence: missense variant.
Genome position (GRCh38, 1-based): chr5:112,843,477, A>G. VCF-style: chr5-112843477-A-G. GRCh37 (hg19) VCF-style: chr5-112179174-A-G.
Other names: c.7883A>G, p.Gln2628Arg (NM_001127510.3, NM_001354895.2); c.7829A>G, p.Gln2610Arg (NM_001127511.3); c.7937A>G, p.Gln2646Arg (NM_001354896.2); c.7913A>G, p.Gln2638Arg (NM_001354897.2); c.7808A>G, p.Gln2603Arg (NM_001354898.2); c.7799A>G, p.Gln2600Arg (NM_001354899.2); c.7760A>G, p.Gln2587Arg (NM_001354900.2); c.7706A>G, p.Gln2569Arg (NM_001354901.2); and 5 more; short protein forms Q2610R, Q2628R, Q2537R, Q2345R, Q2468R, Q2600R, Q2603R, Q2646R.
Identifiers: ClinVar variation 231707 (VCV000231707.13), dbSNP rs876659311, ClinGen allele CA10578453.
Genomic context (GRCh38, chr5:112,843,477, plus strand): 5'-CAAAAGGAACATGGAGAAAAATAAAAGAAAATGAATTTTCTCCCACAAATAGTACTTCTC[A>G]GACCGTTTCCTCAGGTGCTACAAATGGTGCTGAATCAAAGACTCTAATTTATCAAATGGC-3'
Protein context (NP_000029.2, residues 2618-2638): NEFSPTNSTS[Gln2628Arg]TVSSGATNGA